The following is an entry in ClinVar:

NM_014915.3(ANKRD26):c.4470A>G (p.Ile1490Met)

Gene: ANKRD26 (ankyrin repeat domain 26; minus strand). Cytogenetic location: 10p12.1.
Variant type: single nucleotide variant.
Coding change: c.4470A>G on transcript NM_014915.3 (MANE Select); coding-DNA position 4470, A replaced by G.
Protein change: p.Ile1490Met; replaces isoleucine 1490 with methionine.
Molecular consequence: missense variant.
Genome position (GRCh38, 1-based): chr10:27,017,538, T>C on the plus strand (A>G on the coding strand, the complement: ANKRD26 is on the minus strand). VCF-style: chr10-27017538-T-C. GRCh37 (hg19) VCF-style: chr10-27306467-T-C.
Other names: c.4467A>G, p.Ile1489Met (NM_001256053.2); short protein forms I1489M, I1490M.
Identifiers: ClinVar variation 3626606 (VCV003626606.3).

ClinVar aggregate classification (germline): Uncertain significance. Review status: criteria provided, multiple submitters, no conflicts (2 of 4 stars). 2 submissions from 2 submitters: Uncertain significance (2). Last evaluated 2025-03-22.

Conditions:
Inborn genetic diseases. Identifiers: MedGen C0950123, MeSH D030342.

gnomAD v4.1: 1 of 1,613,714 alleles (0.000062%); no homozygotes.

Submissions (2):

Ambry Genetics
Classification: Uncertain significance for Inborn genetic diseases. Last evaluated: 2025-03-22. Review status: criteria provided, single submitter. Criteria: Ambry Variant Classification Scheme 2023. Collection method: clinical testing. Allele origin: germline.
Comment: The p.I1490M variant (also known as c.4470A>G), located in coding exon 30 of the ANKRD26 gene, results from an A to G substitution at nucleotide position 4470. The isoleucine at codon 1490 is replaced by methionine, an amino acid with highly similar properties. This amino acid position is conserved. In addition, this alteration is predicted to be tolerated by in silico analysis. Based on the available evidence, the clinical significance of this variant remains unclear.

Labcorp Genetics (formerly Invitae), Labcorp
Classification: Uncertain significance. Last evaluated: 2024-08-31. Review status: criteria provided, single submitter. Criteria: Invitae Variant Classification Sherloc (09022015). Collection method: clinical testing. Allele origin: germline.
Comment: This sequence change replaces isoleucine, which is neutral and non-polar, with methionine, which is neutral and non-polar, at codon 1490 of the ANKRD26 protein (p.Ile1490Met). This variant is not present in population databases (gnomAD no frequency). This variant has not been reported in the literature in individuals affected with ANKRD26-related conditions. An algorithm developed to predict the effect of missense changes on protein structure and function (PolyPhen-2) suggests that this variant is likely to be tolerated. In summary, the available evidence is currently insufficient to determine the role of this variant in disease. Therefore, it has been classified as a Variant of Uncertain Significance.